The following is an entry in ClinVar:

NM_002110.5(HCK):c.872C>T (p.Thr291Met)

Gene: HCK (HCK proto-oncogene, Src family tyrosine kinase; plus strand). Cytogenetic location: 20q11.21.
Variant type: single nucleotide variant.
Coding change: c.872C>T on transcript NM_002110.5 (MANE Select); coding-DNA position 872, C replaced by T.
Protein change: p.Thr291Met; replaces threonine 291 with methionine.
Molecular consequence: missense variant.
Genome position (GRCh38, 1-based): chr20:32,086,664, C>T. VCF-style: chr20-32086664-C-T. GRCh37 (hg19) VCF-style: chr20-30674467-C-T.
Other names: c.809C>T, p.Thr270Met (NM_001172133.3, NM_001172129.3); c.812C>T, p.Thr271Met (NM_001172132.3); c.869C>T, p.Thr290Met (NM_001172130.3); c.806C>T, p.Thr269Met (NM_001172131.3); short protein forms T269M, T270M, T271M, T290M, T291M.
Identifiers: ClinVar variation 3388927 (VCV003388927.15).
Genomic context (GRCh38, chr20:32,086,664, plus strand): 5'-TCCCTGCTCTCTATCCCCCTCCAGCCACCTACAACAAGCACACCAAGGTGGCAGTGAAGA[C>T]GATGAAGCCAGGGAGCATGTCGGTGGAGGCCTTCCTGGCAGAGGCCAACGTGATGAAAAC-3'
Protein context (NP_002101.2, residues 281-301): YNKHTKVAVK[Thr291Met]MKPGSMSVEA

ClinVar aggregate classification (germline): Conflicting classifications of pathogenicity. Review status: criteria provided, conflicting classifications (1 of 4 stars). 2 submissions from 2 submitters: Uncertain significance (1); Likely benign (1). Last evaluated 2026-04-09.

gnomAD v4.1: 939 of 1,613,166 alleles (0.058%); highest among the groups gnomAD compares: Non-Finnish European, 0.074%; no homozygotes.

Submissions (2):

Women's Health and Genetics/Laboratory Corporation of America, LabCorp
Classification: Uncertain significance. Last evaluated: 2026-04-09. Review status: criteria provided, single submitter. Criteria: LabCorp Variant Classification Summary - May 2015. Collection method: clinical testing. Allele origin: germline.
Comment: Variant summary: HCK c.872C>T (p.Thr291Met) results in a non-conservative amino acid change in the encoded protein sequence. Algorithms developed to predict the effect of missense changes on protein structure and function are either unavailable or do not agree on the potential impact of this missense change. The variant allele was found at a frequency of 0.00018 in 249782 control chromosomes, predominantly at a frequency of 0.00036 within the Non-Finnish European subpopulation in the gnomAD database. This frequency is not significantly higher than estimated for disease-causing variants in HCK, allowing no conclusion about variant significance. To our knowledge, c.872C>T has not been observed in individual(s) affected with Autoinflammation with pulmonary and cutaneous vasculitis. To our knowledge, no experimental evidence demonstrating an impact on protein function has been reported. The following publication has been ascertained in the context of this evaluation (PMID: 29693246). ClinVar contains an entry for this variant (Variation ID: 3388927). Based on the evidence outlined above, the variant was classified as uncertain significance.

CeGaT Center for Human Genetics Tuebingen
Classification: Likely benign. Last evaluated: 2024-10-01. Review status: criteria provided, single submitter. Criteria: CeGaT Center For Human Genetics Tuebingen Variant Classification Criteria Version 2. Collection method: clinical testing. Allele origin: germline. Affected: yes. Observed: 1 variant allele.
Comment: HCK: BS1

Literature cited by the submitters: PubMed 29693246 (cited by Women's Health and Genetics/Laboratory Corporation of America, LabCorp).